The following is an entry in ClinVar:

NM_033305.3(VPS13A):c.1596-8dup

Gene: VPS13A (vacuolar protein sorting 13 homolog A; plus strand). Cytogenetic location: 9q21.2.
Variant type: Duplication.
Coding change: c.1596-8dup on transcript NM_033305.3 (MANE Select); 8 bases into the intron before coding-DNA position 1596, one base duplicated (T; older notation c.1596-8dupT).
Molecular consequence: intron variant.
Genome position (GRCh38, 1-based): chr9:77,237,994, T duplicated; the last of 10 consecutive T bases (chr9:77,237,985-77,237,994); duplicating any one gives the same sequence. VCF-style (leftmost placement, unchanged base first): chr9-77237984-C-CT. GRCh37 (hg19) VCF-style: chr9-79852900-C-CT.
Other names: c.1596-8dupT (NM_033305.2); c.1596-8dup (NM_001018037.2, NM_015186.4, NM_001018038.3).
Identifiers: ClinVar variation 1299784 (VCV001299784.8), dbSNP rs748907586, ClinGen allele CA5091739.

ClinVar aggregate classification (germline): Benign. Review status: criteria provided, single submitter (1 of 4 stars). 4 submissions from 4 submitters: Benign (1). 3 of the submissions do not count toward it. Last evaluated 2025-12-15.

Conditions:
VPS13A-related disorder. Also called: VPS13A-related condition.

Submissions (4):

Labcorp Genetics (formerly Invitae), Labcorp
Classification: Benign. Last evaluated: 2025-12-15. Review status: criteria provided, single submitter. Criteria: Invitae Variant Classification Sherloc (09022015). Collection method: clinical testing. Allele origin: germline.

PreventionGenetics, part of Exact Sciences
Classification: Benign for VPS13A-related condition. Last evaluated: 2019-05-03. Review status: no assertion criteria provided. Collection method: clinical testing. Allele origin: germline. Not counted in ClinVar's aggregate classification.
Comment: This variant is classified as benign based on ACMG/AMP sequence variant interpretation guidelines (Richards et al. 2015 PMID: 25741868, with internal and published modifications).

Diagnostic Laboratory, Department of Genetics, University Medical Center Groningen
Classification: Benign. Review status: no assertion criteria provided. Collection method: clinical testing. Allele origin: germline. Affected: yes. Study: VKGL Data-share Consensus. Not counted in ClinVar's aggregate classification.

Genome Diagnostics Laboratory, Amsterdam University Medical Center
Classification: Benign. Review status: no assertion criteria provided. Collection method: clinical testing. Allele origin: germline. Affected: yes. Study: VKGL Data-share Consensus. Not counted in ClinVar's aggregate classification.